The following is an entry in ClinVar:

NM_017763.6(RNF43):c.724C>T (p.Gln242Ter)

Gene: RNF43 (ring finger protein 43; minus strand). Cytogenetic location: 17q22.
Variant type: single nucleotide variant.
Coding change: c.724C>T on transcript NM_017763.6 (MANE Select); coding-DNA position 724, C replaced by T.
Protein change: p.Gln242Ter; replaces glutamine 242 with a stop codon.
Molecular consequence: nonsense.
Genome position (GRCh38, 1-based): chr17:58,360,908, G>A on the plus strand (C>T on the coding strand, the complement: RNF43 is on the minus strand). VCF-style: chr17-58360908-G-A. GRCh37 (hg19) VCF-style: chr17-56438269-G-A.
Other names: c.724C>T, p.Gln242Ter (NM_001305544.3, NM_001438820.1, NM_001438821.1 and 1 more transcripts); c.343C>T, p.Gln115Ter (NM_001305545.2, NM_001437987.1); short protein forms Q115*, Q242*.
Identifiers: ClinVar variation 4812961 (VCV004812961.1).

ClinVar aggregate classification (germline): Pathogenic (1 of 4 stars; one submission).

Conditions:
Sessile serrated polyposis cancer syndrome (SSPCS). Identifiers: Orphanet 157798, MedGen C4310714, MONDO:0014919, OMIM 617108.

Submission:

Myriad Genetics, Inc.
Classification: Pathogenic for Sessile serrated polyposis cancer syndrome. Last evaluated: 2025-12-15. Review status: criteria provided, single submitter. Criteria: Myriad Autosomal Dominant, Autosomal Recessive and X-Linked Classification Criteria (2023). Collection method: clinical testing. Allele origin: unknown.
Comment: This variant is considered pathogenic. This variant creates a termination codon and is predicted to result in premature protein truncation.